The following is an entry in ClinVar:

NM_000051.4(ATM):c.2125-14T>C

Gene: ATM (ATM serine/threonine kinase; plus strand). Cytogenetic location: 11q22.3.
Variant type: single nucleotide variant.
Coding change: c.2125-14T>C on transcript NM_000051.4 (MANE Select); 14 bases into the intron before coding-DNA position 2125, T replaced by C.
Molecular consequence: intron variant.
Genome position (GRCh38, 1-based): chr11:108,256,201, T>C. VCF-style: chr11-108256201-T-C. GRCh37 (hg19) VCF-style: chr11-108126928-T-C.
Other names: c.2125-14T>C (NM_000051.3, NM_001351834.2).
Identifiers: ClinVar variation 2887106 (VCV002887106.6), dbSNP rs2497354726, ClinGen allele CA2739270944.

ClinVar aggregate classification (germline): Conflicting classifications of pathogenicity. Review status: criteria provided, conflicting classifications (1 of 4 stars). 4 submissions from 4 submitters: Uncertain significance (1); Likely benign (2). 1 of the submissions does not count toward it. Last evaluated 2024-10-30.

Conditions:
Ataxia-telangiectasia syndrome (AT). Also called: Cerebello-oculocutaneous telangiectasia; Immunodeficiency with ataxia telangiectasia; AT, COMPLEMENTATION GROUP C; ATAXIA-TELANGIECTASIA, FRESNO VARIANT; ATAXIA-TELANGIECTASIA, COMPLEMENTATION GROUP A; Ataxia-telangiectasia. Identifiers: Orphanet 100, MedGen C0004135, MONDO:0008840, OMIM 208900.
Familial cancer of breast. Also called: hereditary breast carcinoma; Hereditary breast cancer; BREAST CANCER, FAMILIAL. Identifiers: Orphanet 227535, MedGen C0346153, MONDO:0016419, OMIM 114480. Disease mechanism: loss of function.
Hereditary cancer-predisposing syndrome. Also called: Neoplastic Syndromes, Hereditary; Tumor predisposition; Hereditary neoplastic syndrome; Hereditary Cancer Syndrome. Identifiers: Orphanet 140162, MedGen C0027672, MeSH D009386, MONDO:0015356.

Submissions (4):

Molecular Diagnostics Laboratory, Catalan Institute of Oncology
Classification: Uncertain significance for Hereditary cancer-predisposing syndrome. Last evaluated: 2024-10-30. Review status: criteria provided, single submitter. Criteria: ClinGen ACMG Specifications ATM V1.1.0. Collection method: clinical testing. Allele origin: germline.
Comment: PM2_Supporting, BP4 ATM c.2125-14T>C is an intronic variant close to a canonical splice site. It is not present in the population database gnomAD v2.1.1, non cancer dataset (PM2_Supporting). The SpliceAI algorithm predicts no significant impact on splicing (BP4). To our knowledge, functional studies have not been reported for this variant. This variant has been reported in ClinVar database (2x as likely benign) but it has not been identified in the LOVD database. Based on currently available information, the variant c.2125-14T>C is classified as a variant of unknown significance according to ClinGen-ATM Guidelines version 1.1.

Myriad Genetics, Inc.
Classification: Likely benign for Familial cancer of breast. Last evaluated: 2024-05-07. Review status: criteria provided, single submitter. Criteria: Myriad Autosomal Dominant, Autosomal Recessive and X-Linked Classification Criteria (2023). Collection method: clinical testing. Allele origin: unknown.
Comment: This variant is considered likely benign. This variant is intronic and is not expected to impact mRNA splicing.

Labcorp Genetics (formerly Invitae), Labcorp
Classification: Likely benign for Ataxia-telangiectasia syndrome. Last evaluated: 2023-06-27. Review status: criteria provided, single submitter. Criteria: Invitae Variant Classification Sherloc (09022015). Collection method: clinical testing. Allele origin: germline.

Natera, Inc.
Classification: Uncertain significance for Ataxia-telangiectasia. Last evaluated: 2025-01-23. Review status: no assertion criteria provided. Collection method: clinical testing. Allele origin: germline. Not counted in ClinVar's aggregate classification.